The following is an entry in ClinVar:

NM_000352.6(ABCC8):c.291-3C>T

Gene: ABCC8 (ATP binding cassette subfamily C member 8; minus strand). Cytogenetic location: 11p15.1.
Variant type: single nucleotide variant.
Coding change: c.291-3C>T on transcript NM_000352.6 (MANE Select); 3 bases into the intron before coding-DNA position 291, C replaced by T.
Molecular consequence: intron variant.
Genome position (GRCh38, 1-based): chr11:17,470,225, G>A on the plus strand (C>T on the coding strand, the complement: ABCC8 is on the minus strand). VCF-style: chr11-17470225-G-A. GRCh37 (hg19) VCF-style: chr11-17491772-G-A.
Other names: c.291-3C>T (NM_001351297.2, NM_001351296.2, NM_001351295.2 and 1 more transcripts).
Identifiers: ClinVar variation 303788 (VCV000303788.15), dbSNP rs764107333, ClinGen allele CA5903915.
Genomic context (GRCh38, chr11:17,470,225, plus strand): 5'-AGCCATGAACGCCATCCCGGCTGGCATGTACAGGTGCAGATGGTGGGATTCGGTCACCCT[G>A]AGATGGGAGAGAGAAACAGACAGGATGGGGACATGCTAAGTACTGCAATAGAGCAGCCCA-3'

ClinVar aggregate classification (germline): Conflicting classifications of pathogenicity. Review status: criteria provided, conflicting classifications (1 of 4 stars). 9 submissions from 6 submitters: Uncertain significance (6); Likely benign (2). 1 of the submissions does not count toward it. Last evaluated 2024-06-10.

Conditions:
ABCC8-related disorder.
Transitory neonatal diabetes mellitus. Also called: Transient neonatal diabetes mellitus. Identifiers: MedGen C0342273, MONDO:0020525, HP:0008255.
Maturity-onset diabetes of the young (MODY). Also called: Maturity onset diabetes mellitus in young. Identifiers: Orphanet 552, MedGen C0342276, MONDO:0018911, HP:0004904.
Permanent neonatal diabetes mellitus (PNDM). Identifiers: Orphanet 99885, MedGen C1833104, MONDO:0100164, MONDO:0011643. Disease mechanism: gain of function.
Hyperinsulinemic hypoglycemia, familial, 1 (HHF1). Also called: Persistent hyperinsulinemic hypoglycemia of infancy; HYPERINSULINISM, FAMILIAL, WITH PANCREATIC NESIDIOBLASTOSIS; HYPOGLYCEMIA, HYPERINSULINEMIC, OF INFANCY; NESIDIOBLASTOSIS OF PANCREAS; Persistent Hyperinsulinemia Hypoglycemia of Infancy. Identifiers: Orphanet 276575, Orphanet 276598, MedGen C2931832, MONDO:0009734, OMIM 256450.
Diabetes mellitus, transient neonatal, 2 (TNDM2). Identifiers: Orphanet 99886, MedGen C1835887, MONDO:0012480, OMIM 610374. Disease mechanism: loss of function.

Allele frequency attached by ClinVar (database versions not stated): gnomAD exomes 0.00001 and 0.00002; gnomAD 0.00002 and 0.00003; ExAC 0.00003; TOPMed 0.00003.
gnomAD v4.1: 22 of 1,614,118 alleles (0.0014%); highest among the groups gnomAD compares: African/African-American, 0.012%; 1 homozygote.

Submissions (9):

Labcorp Genetics (formerly Invitae), Labcorp
Classification: Uncertain significance. Last evaluated: 2024-06-10. Review status: criteria provided, single submitter. Criteria: Invitae Variant Classification Sherloc (09022015). Collection method: clinical testing. Allele origin: germline.
Comment: This sequence change falls in intron 2 of the ABCC8 gene. It does not directly change the encoded amino acid sequence of the ABCC8 protein. It affects a nucleotide within the consensus splice site. This variant is present in population databases (rs764107333, gnomAD 0.007%). This variant has not been reported in the literature in individuals affected with ABCC8-related conditions. ClinVar contains an entry for this variant (Variation ID: 303788). Variants that disrupt the consensus splice site are a relatively common cause of aberrant splicing (PMID: 17576681, 9536098). Algorithms developed to predict the effect of sequence changes on RNA splicing suggest that this variant is not likely to affect RNA splicing. In summary, the available evidence is currently insufficient to determine the role of this variant in disease. Therefore, it has been classified as a Variant of Uncertain Significance.

MVZ Dr. Eberhard & Partner Dortmund
Classification: Likely benign. Last evaluated: 2018-04-27. Review status: criteria provided, single submitter. Criteria: ACMG Guidelines, 2015. Collection method: clinical testing. Allele origin: unknown. Observed: 1 variant allele.

Illumina Laboratory Services, Illumina
Classification: Uncertain significance for Hyperinsulinemic hypoglycemia, familial, 1. Last evaluated: 2018-01-13. Review status: criteria provided, single submitter. Criteria: ICSL Variant Classification Criteria 13 December 2019. Collection method: clinical testing. Allele origin: germline.

Illumina Laboratory Services, Illumina
Classification: Uncertain significance for Permanent neonatal diabetes mellitus 1. Last evaluated: 2018-01-13. Review status: criteria provided, single submitter. Criteria: ICSL Variant Classification Criteria 13 December 2019. Collection method: clinical testing. Allele origin: germline.

Illumina Laboratory Services, Illumina
Classification: Likely benign for Diabetes mellitus, transient neonatal, 2. Last evaluated: 2018-01-13. Review status: criteria provided, single submitter. Criteria: ICSL Variant Classification Criteria 13 December 2019. Collection method: clinical testing. Allele origin: germline.
Comment: This variant was observed in the ICSL laboratory as part of a predisposition screen in an ostensibly healthy population. It had not been previously curated by ICSL or reported in the Human Gene Mutation Database (HGMD: prior to June 1st, 2018), and was therefore a candidate for classification through an automated scoring system. Utilizing variant allele frequency, disease prevalence and penetrance estimates, and inheritance mode, an automated score was calculated to assess if this variant is too frequent to cause the disease. Based on the score and internal cut-off values, a variant classified as likely benign is not then subjected to further curation. The score for this variant resulted in a classification of likely benign for this disease.

Genetic Services Laboratory, University of Chicago
Classification: Uncertain significance. Last evaluated: 2015-12-18. Review status: criteria provided, single submitter. Criteria: ACMG Guidelines, 2015. Collection method: clinical testing. Allele origin: germline. Affected: no.

Clinical Genomics, Uppaluri K&H Personalized Medicine Clinic
Classification: Uncertain significance for Maturity-onset diabetes of the young. Review status: criteria provided, single submitter. Criteria: K & H Uppaluri Personalized Medicine Clinic Variant Classification & Assertion Criteria_Updated V.1. Collection method: research. Allele origin: unknown. Inheritance: Somatic mutation.
Comment: Mutations in ABCC8 gene are associated with both neonatal diabetes mellitus as well as MODY. Patients with this mutation may have a better response to sulfonylureas. However, no sufficient evidence is found to ascertain the role of this particular variant (rs764107333) in MODY yet.

Clinical Genomics, Uppaluri K&H Personalized Medicine Clinic
Classification: Uncertain significance for Transitory neonatal diabetes mellitus. Review status: criteria provided, single submitter. Criteria: K & H Uppaluri Personalized Medicine Clinic Variant Classification & Assertion Criteria_Updated V.1. Collection method: research. Allele origin: unknown. Inheritance: Somatic mutation.
Comment: Mutations in ABCC8 gene are associated with both neonatal diabetes mellitus as well as MODY. Patients with this mutation may have a better response to sulfonylureas. However, no sufficient evidence is found to ascertain the role of this particular variant (rs764107333) in neonatal diabetes yet.

PreventionGenetics, part of Exact Sciences
Classification: Likely benign for ABCC8-related condition. Last evaluated: 2020-09-11. Review status: no assertion criteria provided. Collection method: clinical testing. Allele origin: germline. Not counted in ClinVar's aggregate classification.
Comment: This variant is classified as likely benign based on ACMG/AMP sequence variant interpretation guidelines (Richards et al. 2015 PMID: 25741868, with internal and published modifications).

Literature cited by the submitters: PubMed 17576681 (cited by Labcorp Genetics (formerly Invitae), Labcorp); PubMed 9536098 (cited by Labcorp Genetics (formerly Invitae), Labcorp); PubMed 16885549 (cited by Clinical Genomics, Uppaluri K&H Personalized Medicine Clinic); PubMed 21989597 (cited by Clinical Genomics, Uppaluri K&H Personalized Medicine Clinic); PubMed 27538677 (cited by Clinical Genomics, Uppaluri K&H Personalized Medicine Clinic); PubMed 18981553 (cited by Clinical Genomics, Uppaluri K&H Personalized Medicine Clinic); PubMed 32027066 (cited by Clinical Genomics, Uppaluri K&H Personalized Medicine Clinic); PubMed 16613899 (cited by Clinical Genomics, Uppaluri K&H Personalized Medicine Clinic); PubMed 18025408 (cited by Clinical Genomics, Uppaluri K&H Personalized Medicine Clinic); PubMed 32792356 (cited by Clinical Genomics, Uppaluri K&H Personalized Medicine Clinic).